The following is an entry in ClinVar:

NM_006393.3(NEBL):c.1008+4C>T

Gene: NEBL (nebulette; minus strand). Cytogenetic location: 10p12.31.
Variant type: single nucleotide variant.
Coding change: c.1008+4C>T on transcript NM_006393.3 (MANE Select); 4 bases into the intron after coding-DNA position 1008, C replaced by T.
Molecular consequence: intron variant.
Genome position (GRCh38, 1-based): chr10:20,852,541, G>A on the plus strand (C>T on the coding strand, the complement: NEBL is on the minus strand). VCF-style: chr10-20852541-G-A. GRCh37 (hg19) VCF-style: chr10-21141470-G-A.
Other names: c.250-39601C>T (NM_001377326.1, NM_001377327.1, NM_001377328.1); c.358-39601C>T (NM_213569.2, NM_001173484.2, NM_001377322.1); c.301-39601C>T (NM_001377324.1); c.292-39601C>T (NM_001377325.1); c.310-39601C>T (NM_001377323.1).
Identifiers: ClinVar variation 164757 (VCV000164757.12), dbSNP rs71534253, ClinGen allele CA177442.

ClinVar aggregate classification (germline): Benign. Review status: criteria provided, multiple submitters, no conflicts (2 of 4 stars). 5 submissions from 5 submitters: Benign (4). 1 of the submissions does not count toward it. Last evaluated 2024-10-06.

Conditions:
NEBL-related disorder. Also called: NEBL-related condition.
Primary dilated cardiomyopathy (DCM). Also called: Dilated Cardiomyopathy. Identifiers: Orphanet 217604, MedGen C0007193, MeSH D002311, MONDO:0005021, HP:0001644. Inheritance: Various modes of inheritance.

Allele frequency attached by ClinVar (database versions not stated): gnomAD exomes 0.00114; ExAC 0.00144; gnomAD 0.00499 and 0.00540; 1000 Genomes Project 30x 0.00281; 1000 Genomes Project 0.00300; ESP Exome Variant Server 0.00392; TOPMed 0.00561.
gnomAD v4.1: 1,551 of 1,608,718 alleles (0.096%); highest among the groups gnomAD compares: African/African-American, 1.8%; 20 homozygotes.

Submissions (5):

Women's Health and Genetics/Laboratory Corporation of America, LabCorp
Classification: Benign. Last evaluated: 2024-10-06. Review status: criteria provided, single submitter. Criteria: LabCorp Variant Classification Summary - May 2015. Collection method: clinical testing. Allele origin: germline.

Labcorp Genetics (formerly Invitae), Labcorp
Classification: Benign for Primary dilated cardiomyopathy. Last evaluated: 2019-12-31. Review status: criteria provided, single submitter. Criteria: Invitae Variant Classification Sherloc (09022015). Collection method: clinical testing. Allele origin: germline.

GeneDx
Classification: Benign. Last evaluated: 2014-06-23. Review status: criteria provided, single submitter. Criteria: GeneDx Variant Classification (06012015). Collection method: clinical testing. Allele origin: germline. Affected: yes.
Comment: This variant is considered likely benign or benign based on one or more of the following criteria: it is a conservative change, it occurs at a poorly conserved position in the protein, it is predicted to be benign by multiple in silico algorithms, and/or has population frequency not consistent with disease.

Laboratory for Molecular Medicine, Mass General Brigham Personalized Medicine
Classification: Benign. Last evaluated: 2012-03-19. Review status: criteria provided, single submitter. Criteria: LMM Criteria. Collection method: clinical testing. Allele origin: germline. Observed: 2 variant alleles.
Comment: c.1008+4C>T in Intron 10 of NEBL: This variant is not expected to have clinical significance because it has been identified in 1.3% (48/3738) of African America n chromosomes from a broad population by the NHLBI Exome Sequencing Project (dbSNP rs71534253).

PreventionGenetics, part of Exact Sciences
Classification: Benign for NEBL-related condition. Last evaluated: 2019-08-23. Review status: no assertion criteria provided. Collection method: clinical testing. Allele origin: germline. Not counted in ClinVar's aggregate classification.
Comment: This variant is classified as benign based on ACMG/AMP sequence variant interpretation guidelines (Richards et al. 2015 PMID: 25741868, with internal and published modifications).